The following is an entry in ClinVar:

NM_001130438.3(SPTAN1):c.4561G>T (p.Asp1521Tyr)

Gene: SPTAN1 (spectrin alpha, non-erythrocytic 1; plus strand). Cytogenetic location: 9q34.11.
Variant type: single nucleotide variant.
Coding change: c.4561G>T on transcript NM_001130438.3 (MANE Select); coding-DNA position 4561, G replaced by T.
Protein change: p.Asp1521Tyr; replaces aspartic acid 1521 with tyrosine.
Molecular consequence: missense variant.
Genome position (GRCh38, 1-based): chr9:128,608,943, G>T. VCF-style: chr9-128608943-G-T. GRCh37 (hg19) VCF-style: chr9-131371222-G-T.
Other names: c.4501G>T, p.Asp1501Tyr (NM_001195532.2, NM_001363765.2, NM_001375314.2); c.4561G>T, p.Asp1521Tyr (NM_001363759.2, NM_001375310.1, NM_001375311.2 and 2 more transcripts); c.4597G>T, p.Asp1533Tyr (NM_001375312.2, NM_001375318.1); short protein forms D1501Y, D1521Y, D1533Y.
Identifiers: ClinVar variation 1804136 (VCV001804136.1), dbSNP rs2541774632, ClinGen allele CA375068417.

ClinVar aggregate classification (germline): Uncertain significance (1 of 4 stars; one submission).

Conditions:
Developmental and epileptic encephalopathy, 5 (DEE5). Identifiers: Orphanet 3451, MedGen C3150731, MONDO:0013277, OMIM 613477.

Submission:

Institute of Human Genetics, University of Leipzig Medical Center
Classification: Uncertain significance for Developmental and epileptic encephalopathy, 5. Last evaluated: 2022-11-24. Review status: criteria provided, single submitter. Criteria: ACMG Guidelines, 2015. Collection method: clinical testing. Allele origin: unknown. Affected: yes.
Comment: _x000D_ Criteria applied: PM2_SUP, PP2, PP3